The following is an entry in ClinVar:

ClinVar aggregate classification (germline): Uncertain significance (1 of 4 stars; one submission).

Conditions:
Catecholaminergic polymorphic ventricular tachycardia 1. Also called: RYR2-Related Catecholaminergic Polymorphic Ventricular Tachycardia; VENTRICULAR TACHYCARDIA, CATECHOLAMINERGIC POLYMORPHIC, 1, WITH OR WITHOUT ATRIAL DYSFUNCTION AND/OR DILATED CARDIOMYOPATHY; VENTRICULAR TACHYCARDIA, STRESS-INDUCED POLYMORPHIC 1. Identifiers: Orphanet 3286, MedGen C1631597, MONDO:0011484, OMIM 604772.

Submission:

Labcorp Genetics (formerly Invitae), Labcorp
Classification: Uncertain significance for Catecholaminergic polymorphic ventricular tachycardia 1. Last evaluated: 2022-06-11. Review status: criteria provided, single submitter. Criteria: Invitae Variant Classification Sherloc (09022015). Collection method: clinical testing. Allele origin: germline.
Comment: In summary, the available evidence is currently insufficient to determine the role of this variant in disease. Therefore, it has been classified as a Variant of Uncertain Significance. Advanced modeling of protein sequence and biophysical properties (such as structural, functional, and spatial information, amino acid conservation, physicochemical variation, residue mobility, and thermodynamic stability) performed at Invitae indicates that this missense variant is not expected to disrupt RYR2 protein function. This variant has not been reported in the literature in individuals affected with RYR2-related conditions. This variant is not present in population databases (gnomAD no frequency). This sequence change replaces serine, which is neutral and polar, with threonine, which is neutral and polar, at codon 991 of the RYR2 protein (p.Ser991Thr).

NM_001035.3(RYR2):c.2971T>A (p.Ser991Thr)

Gene: RYR2 (ryanodine receptor 2; plus strand). Cytogenetic location: 1q43.
Variant type: single nucleotide variant.
Coding change: c.2971T>A on transcript NM_001035.3 (MANE Select); coding-DNA position 2971, T replaced by A.
Protein change: p.Ser991Thr; replaces serine 991 with threonine.
Molecular consequence: missense variant.
Genome position (GRCh38, 1-based): chr1:237,548,495, T>A. VCF-style: chr1-237548495-T-A. GRCh37 (hg19) VCF-style: chr1-237711795-T-A.
Other names: short protein forms S991T.
Identifiers: ClinVar variation 2004728 (VCV002004728.4), dbSNP rs1670051785, ClinGen allele CA345393555.
Genomic context (GRCh38, chr1:237,548,495, plus strand): 5'-CAGCTGACAAGTGGATACAAGCCTGCCCCTATGGACCTGAGCTTTATCAAACTCACCCCA[T>A]CACAAGAAGCAATGGTGGACAAGTTGGCAGAAAATGCACATAATGTGTGGGCGCGGGATC-3'
Protein context (NP_001026.2, residues 981-1001): MDLSFIKLTP[Ser991Thr]QEAMVDKLAE